The following is an entry in ClinVar:

NM_001371986.1(UNC80):c.2627-3C>A

Gene: UNC80 (unc-80 subunit of NALCN channel complex; plus strand). Cytogenetic location: 2q34.
Variant type: single nucleotide variant.
Coding change: c.2627-3C>A on transcript NM_001371986.1 (MANE Select); 3 bases into the intron before coding-DNA position 2627, C replaced by A.
Molecular consequence: intron variant.
Genome position (GRCh38, 1-based): chr2:209,831,440, C>A. VCF-style: chr2-209831440-C-A. GRCh37 (hg19) VCF-style: chr2-210696164-C-A.
Other names: c.2627-3C>A (NM_032504.2); c.2612-3C>A (NM_182587.4).
Identifiers: ClinVar variation 3775950 (VCV003775950.1).

ClinVar aggregate classification (germline): Uncertain significance (1 of 4 stars; one submission).

Conditions:
Hypotonia, infantile, with psychomotor retardation and characteristic facies 2 (IHPRF2). Also called: UNC80 Deficiency. Identifiers: Orphanet 371364, Orphanet 700333, MedGen C4225203, MONDO:0014777, OMIM 616801.

Submission:

3billion
Classification: Uncertain significance for Hypotonia, infantile, with psychomotor retardation and characteristic facies 2. Last evaluated: 2023-12-15. Review status: criteria provided, single submitter. Criteria: ACMG Guidelines, 2015. Collection method: clinical testing. Allele origin: germline. Affected: yes.
Comment: The variant is not observed in the gnomAD v2.1.1 dataset. Predicted Consequence/Location: Intron variant In silico tools predict the variant to alter splicing and produce an abnormal transcript [SpliceAI: 0.31 (>=0.2, moderate evidence for spliceogenicity)]. Therefore, this variant is classified as VUS according to the recommendation of ACMG/AMP guideline.